The following is an entry in ClinVar:

NM_001385641.1(SAMD11):c.1883C>A (p.Pro628His)

Gene: SAMD11 (sterile alpha motif domain containing 11; plus strand). Cytogenetic location: 1p36.33.
Variant type: single nucleotide variant.
Coding change: c.1883C>A on transcript NM_001385641.1 (MANE Select); coding-DNA position 1883, C replaced by A.
Protein change: p.Pro628His; replaces proline 628 with histidine.
Molecular consequence: missense variant.
Genome position (GRCh38, 1-based): chr1:942,888, C>A. VCF-style: chr1-942888-C-A. GRCh37 (hg19) VCF-style: chr1-878268-C-A.
Other names: c.1886C>A, p.Pro629His (NM_001385640.1); c.1394C>A, p.Pro465His (NM_152486.4); short protein forms P465H, P628H, P629H.
Identifiers: ClinVar variation 2121210 (VCV002121210.4), dbSNP rs1173034140, ClinGen allele CA337811956.

ClinVar aggregate classification (germline): Uncertain significance (1 of 4 stars; one submission).

Allele frequency attached by ClinVar (database versions not stated): gnomAD 0.00001.
gnomAD v4.1: 3 of 1,555,220 alleles (0.00019%); highest among the groups gnomAD compares: Admixed American, 0.002%; no homozygotes.

Submission:

Labcorp Genetics (formerly Invitae), Labcorp
Classification: Uncertain significance. Last evaluated: 2023-10-16. Review status: criteria provided, single submitter. Criteria: Invitae Variant Classification Sherloc (09022015). Collection method: clinical testing. Allele origin: germline.
Comment: This sequence change replaces proline, which is neutral and non-polar, with histidine, which is basic and polar, at codon 465 of the SAMD11 protein (p.Pro465His). This variant is not present in population databases (gnomAD no frequency). This variant has not been reported in the literature in individuals affected with SAMD11-related conditions. ClinVar contains an entry for this variant (Variation ID: 2121210). An algorithm developed to predict the effect of missense changes on protein structure and function (PolyPhen-2) suggests that this variant is likely to be disruptive. In summary, the available evidence is currently insufficient to determine the role of this variant in disease. Therefore, it has been classified as a Variant of Uncertain Significance.